The following is an entry in ClinVar:

ClinVar aggregate classification (germline): Uncertain significance (1 of 4 stars; one submission).

Conditions:
Hereditary cancer-predisposing syndrome. Also called: Neoplastic Syndromes, Hereditary; Hereditary Cancer Syndrome; Hereditary neoplastic syndrome; Tumor predisposition. Identifiers: Orphanet 140162, MedGen C0027672, MeSH D009386, MONDO:0015356.

Submission:

Ambry Genetics
Classification: Uncertain significance for Hereditary cancer-predisposing syndrome. Last evaluated: 2023-05-06. Review status: criteria provided, single submitter. Criteria: Ambry Variant Classification Scheme 2023. Collection method: clinical testing. Allele origin: germline.
Comment: The p.E1855G variant (also known as c.5564A>G), located in coding exon 41 of the POLE gene, results from an A to G substitution at nucleotide position 5564. The glutamic acid at codon 1855 is replaced by glycine, an amino acid with similar properties. This amino acid position is conserved. In addition, this alteration is predicted to be deleterious by in silico analysis. Since supporting evidence is limited at this time, the clinical significance of this alteration remains unclear.

NM_006231.4(POLE):c.5564A>G (p.Glu1855Gly)

Gene: POLE (DNA polymerase epsilon, catalytic subunit; minus strand). Cytogenetic location: 12q24.33.
Variant type: single nucleotide variant.
Coding change: c.5564A>G on transcript NM_006231.4 (MANE Select); coding-DNA position 5564, A replaced by G.
Protein change: p.Glu1855Gly; replaces glutamic acid 1855 with glycine.
Molecular consequence: missense variant.
Genome position (GRCh38, 1-based): chr12:132,638,128, T>C on the plus strand (A>G on the coding strand, the complement: POLE is on the minus strand). VCF-style: chr12-132638128-T-C. GRCh37 (hg19) VCF-style: chr12-133214714-T-C.
Other names: short protein forms E1855G.
Identifiers: ClinVar variation 2562933 (VCV002562933.2), dbSNP rs2138502442, ClinGen allele CA387374197.
Genomic context (GRCh38, chr12:132,638,128, plus strand): 5'-GTACAGAGGATGATGCGGTTGAAGTTGGCGTAGATGACTGATGACCCCAGGCGCTTGAAC[T>C]CAGCGATGAGCCTGTGGAGCAAGTTGAGAGTCCGTGGTGGAGACGCCACAGTCATGGAGA-3'
Protein context (NP_006222.2, residues 1845-1865): MKKLFLQLIA[Glu1855Gly]FKRLGSSVIY